The following is an entry in ClinVar:

ClinVar aggregate classification (germline): Uncertain significance. Review status: criteria provided, multiple submitters, no conflicts (2 of 4 stars). 2 submissions from 2 submitters: Uncertain significance (2). Last evaluated 2026-01-07.

Submissions (2):

Women's Health and Genetics/Laboratory Corporation of America, LabCorp
Classification: Uncertain significance. Last evaluated: 2026-01-07. Review status: criteria provided, single submitter. Criteria: LabCorp Variant Classification Summary - May 2015. Collection method: clinical testing. Allele origin: germline.
Comment: Variant summary: ABCC8 c.2477G>A (p.Gly826Asp) results in a non-conservative amino acid change in the encoded protein sequence. Algorithms developed to predict the effect of missense changes on protein structure and function all suggest that this variant is likely to be disruptive. Consensus agreement among computation tools predict no significant impact on normal splicing. However, these predictions have yet to be confirmed by functional studies. The frequency data for this variant in gnomAD is considered unreliable, as metrics indicate poor data quality at this position. c.2477G>A has been observed in the heterozygous state segregating with disease in at least 3 related individual(s) affected with clinical features of autosomal dominant MODY (example, Zhou_2022). These data indicate that the variant may be associated with disease. At least 2 publications report experimental evidence evaluating an impact on protein function in vitro. While similar to wild-type channels in sensitivity to MgADP stimulation and to inhibition by ATP, ABCC8 protein expressing this variant was significantly less sensitive to protein degradation by the lysosomal- and ubiquitin-mediated pathways, suggesting a possible gain of function effect (example, Nichols_1996, Zhou_2022). The following publications have been ascertained in the context of this evaluation (PMID: 36573710, 35757975, 29594720, 31162759, 9382893, 10021494, 9683320, 8650576). ClinVar contains an entry for this variant (Variation ID: 1700361). Based on the evidence outlined above, the variant was classified as VUS-possibly pathogenic.

GeneDx
Classification: Uncertain significance. Last evaluated: 2022-02-08. Review status: criteria provided, single submitter. Criteria: GeneDx Variant Classification Process June 2021. Collection method: clinical testing. Allele origin: germline. Affected: yes.
Comment: Not observed at significant frequency in large population cohorts (gnomAD); In silico analysis supports that this missense variant has a deleterious effect on protein structure/function; Has not been previously published as pathogenic or benign to our knowledge

Literature cited by the submitters: PubMed 8650576 (cited by Women's Health and Genetics/Laboratory Corporation of America, LabCorp); PubMed 36573710 (cited by Women's Health and Genetics/Laboratory Corporation of America, LabCorp); PubMed 29594720 (cited by Women's Health and Genetics/Laboratory Corporation of America, LabCorp); PubMed 31162759 (cited by Women's Health and Genetics/Laboratory Corporation of America, LabCorp); PubMed 9382893 (cited by Women's Health and Genetics/Laboratory Corporation of America, LabCorp); PubMed 10021494 (cited by Women's Health and Genetics/Laboratory Corporation of America, LabCorp); PubMed 9683320 (cited by Women's Health and Genetics/Laboratory Corporation of America, LabCorp); PubMed 35757975 (cited by Women's Health and Genetics/Laboratory Corporation of America, LabCorp).

NM_000352.6(ABCC8):c.2477G>A (p.Gly826Asp)

Gene: ABCC8 (ATP binding cassette subfamily C member 8; minus strand). Cytogenetic location: 11p15.1.
Variant type: single nucleotide variant.
Coding change: c.2477G>A on transcript NM_000352.6 (MANE Select); coding-DNA position 2477, G replaced by A.
Protein change: p.Gly826Asp; replaces glycine 826 with aspartic acid.
Molecular consequence: missense variant. On other transcripts: non-coding transcript variant (1).
Genome position (GRCh38, 1-based): chr11:17,412,745, C>T on the plus strand (G>A on the coding strand, the complement: ABCC8 is on the minus strand). VCF-style: chr11-17412745-C-T. GRCh37 (hg19) VCF-style: chr11-17434292-C-T.
Other names: c.2480G>A, p.Gly827Asp (NM_001287174.3); c.2543G>A, p.Gly848Asp (NM_001351295.2); c.2477G>A, p.Gly826Asp (NM_001351296.2); c.2474G>A, p.Gly825Asp (NM_001351297.2); short protein forms G825D, G826D, G827D, G848D.
Identifiers: ClinVar variation 1700361 (VCV001700361.3), dbSNP rs1954875708, ClinGen allele CA379807778.